The following is an entry in ClinVar:

ClinVar aggregate classification (germline): Benign/Likely benign. Review status: criteria provided, multiple submitters, no conflicts (2 of 4 stars). 7 submissions from 7 submitters: Benign (6); Likely benign (1). Last evaluated 2026-02-02.

Allele frequency attached by ClinVar (database versions not stated): 1000 Genomes Project 0.00424; 1000 Genomes Project 30x 0.00437; ESP Exome Variant Server 0.00464; gnomAD exomes 0.00033 and 0.00095; ExAC 0.00136; gnomAD 0.00341 and 0.00368; TOPMed 0.00422.
gnomAD v4.1: 785 of 1,209,645 alleles (0.065%); highest among the groups gnomAD compares: African/African-American, 1.2%; 3 homozygotes.

Submissions (7):

Labcorp Genetics (formerly Invitae), Labcorp
Classification: Benign. Last evaluated: 2026-02-02. Review status: criteria provided, single submitter. Criteria: Invitae Variant Classification Sherloc (09022015). Collection method: clinical testing. Allele origin: germline.

Mayo Clinic Laboratories, Mayo Clinic
Classification: Benign. Last evaluated: 2025-03-05. Review status: criteria provided, single submitter. Criteria: ACMG Guidelines, 2015. Collection method: clinical testing. Allele origin: germline. Observed: 2 variant alleles.
Comment: BS1, BS2, BP4, BP7

Blueprint Genetics
Classification: Likely benign. Last evaluated: 2024-11-06. Review status: criteria provided, single submitter. Criteria: ACMG Guidelines, 2015. Collection method: clinical testing. Allele origin: germline.

GeneDx
Classification: Benign. Last evaluated: 2019-09-13. Review status: criteria provided, single submitter. Criteria: GeneDx Variant Classification Process June 2021. Collection method: clinical testing. Allele origin: germline. Affected: yes.

Athena Diagnostics
Classification: Benign. Last evaluated: 2018-06-14. Review status: criteria provided, single submitter. Criteria: Athena Diagnostics Criteria. Collection method: clinical testing. Allele origin: germline.

Ambry Genetics
Classification: Benign. Last evaluated: 2014-09-30. Review status: criteria provided, single submitter. Criteria: Ambry Variant Classification Scheme 2023. Collection method: clinical testing. Allele origin: germline.

Breakthrough Genomics
Classification: Benign. Review status: criteria provided, single submitter. Criteria: ACMG Guidelines, 2015. Collection method: not provided. Allele origin: germline. Inheritance: X-linked inheritance. Affected: yes.

NM_001008537.3(NEXMIF):c.2154T>C (p.Asn718=)

Gene: NEXMIF (neurite extension and migration factor; minus strand). Cytogenetic location: Xq13.3.
Variant type: single nucleotide variant.
Coding change: c.2154T>C on transcript NM_001008537.3 (MANE Select); coding-DNA position 2154, T replaced by C.
Protein change: p.Asn718=; no amino-acid change (asparagine 718 retained).
Molecular consequence: synonymous variant.
Genome position (GRCh38, 1-based): chrX:74,742,403, A>G on the plus strand (T>C on the coding strand, the complement: NEXMIF is on the minus strand). VCF-style: chrX-74742403-A-G. GRCh37 (hg19) VCF-style: chrX-73962238-A-G.
Other names: p.Asn718=.
Identifiers: ClinVar variation 474059 (VCV000474059.22), dbSNP rs61741739, ClinGen allele CA10455069.
Genomic context (GRCh38, chrX:74,742,403, plus strand): 5'-TTGCCCAGCAGCTTTGACTTTCTTAGATTTTAACCTAGCTTCACTTTTAAATTTGATTTT[A>G]TTGAGCACTTTCCTCTCTGGCCCCTTAAACTCTGTGTCTTGGGCTTTGACTTTCACTGAG-3'
Protein context (NP_001008537.1, residues 708-728): EFKGPERKVL[Asn718=]KIKFKSEARL